The following is an entry in ClinVar:

ClinVar aggregate classification (germline): Uncertain significance (1 of 4 stars; one submission).

Conditions:
Myofibrillar myopathy 4. Also called: Zaspopathy (type). Identifiers: Orphanet 98912, MedGen C4721886, MONDO:0012277, OMIM 609452.

Submission:

Labcorp Genetics (formerly Invitae), Labcorp
Classification: Uncertain significance for Myofibrillar myopathy 4. Last evaluated: 2023-10-03. Review status: criteria provided, single submitter. Criteria: Invitae Variant Classification Sherloc (09022015). Collection method: clinical testing. Allele origin: germline.
Comment: This sequence change replaces isoleucine, which is neutral and non-polar, with valine, which is neutral and non-polar, at codon 32 of the LDB3 protein (p.Ile32Val). This variant is not present in population databases (gnomAD no frequency). This variant has not been reported in the literature in individuals affected with LDB3-related conditions. An algorithm developed to predict the effect of missense changes on protein structure and function (PolyPhen-2) suggests that this variant is likely to be tolerated. In summary, the available evidence is currently insufficient to determine the role of this variant in disease. Therefore, it has been classified as a Variant of Uncertain Significance.

NM_007078.3(LDB3):c.94A>G (p.Ile32Val)

Gene: LDB3 (LIM domain binding 3; plus strand). Cytogenetic location: 10q23.2.
Variant type: single nucleotide variant.
Coding change: c.94A>G on transcript NM_007078.3 (MANE Select); coding-DNA position 94, A replaced by G.
Protein change: p.Ile32Val; replaces isoleucine 32 with valine.
Molecular consequence: missense variant.
Genome position (GRCh38, 1-based): chr10:86,679,367, A>G. VCF-style: chr10-86679367-A-G. GRCh37 (hg19) VCF-style: chr10-88439124-A-G.
Other names: c.94A>G, p.Ile32Val (NM_001080114.2, NM_001080115.2, NM_001080116.1 and 8 more transcripts); short protein forms I32V.
Identifiers: ClinVar variation 2764822 (VCV002764822.3), dbSNP rs2492563077, ClinGen allele CA377450980.